The following is an entry in ClinVar:

NM_001136193.2(FASTKD2):c.1418A>G (p.Gln473Arg)

Gene: FASTKD2 (FAST kinase domains 2; plus strand). Cytogenetic location: 2q33.3.
Variant type: single nucleotide variant.
Coding change: c.1418A>G on transcript NM_001136193.2 (MANE Select); coding-DNA position 1418, A replaced by G.
Protein change: p.Gln473Arg; replaces glutamine 473 with arginine.
Molecular consequence: missense variant.
Genome position (GRCh38, 1-based): chr2:206,774,388, A>G. VCF-style: chr2-206774388-A-G. GRCh37 (hg19) VCF-style: chr2-207639112-A-G.
Other names: p.Gln473Arg; c.1418A>G, p.Gln473Arg (NM_001136194.2, NM_014929.4); short protein forms Q473R.
Identifiers: ClinVar variation 4540798 (VCV004540798.1).

ClinVar aggregate classification (germline): Uncertain significance (1 of 4 stars; one submission).

gnomAD v4.1: 1 of 1,592,700 alleles (0.000063%); highest among the groups gnomAD compares: Middle Eastern, 0.019%; no homozygotes.

Submission:

Mayo Clinic Laboratories, Mayo Clinic
Classification: Uncertain significance. Last evaluated: 2025-03-21. Review status: criteria provided, single submitter. Criteria: ACMG Guidelines, 2015. Collection method: clinical testing. Allele origin: germline. Observed: 1 variant allele.
Comment: BP4_moderate, PM2_supporting